The following is an entry in ClinVar:

NM_004329.3(BMPR1A):c.430G>C (p.Gly144Arg)

Gene: BMPR1A (bone morphogenetic protein receptor type 1A; plus strand). Cytogenetic location: 10q23.2.
Variant type: single nucleotide variant.
Coding change: c.430G>C on transcript NM_004329.3 (MANE Select); coding-DNA position 430, G replaced by C.
Protein change: p.Gly144Arg; replaces glycine 144 with arginine.
Molecular consequence: missense variant.
Genome position (GRCh38, 1-based): chr10:86,899,890, G>C. VCF-style: chr10-86899890-G-C. GRCh37 (hg19) VCF-style: chr10-88659647-G-C.
Other names: short protein forms G144R.
Identifiers: ClinVar variation 230449 (VCV000230449.18), dbSNP rs876658573, ClinGen allele CA10578879.
Genomic context (GRCh38, chr10:86,899,890, plus strand): 5'-TGTTGTCGGACCAATTTATGTAACCAGTATTTGCAACCCACACTGCCCCCTGTTGTCATA[G>C]GTAGGTTAGCCGAGAAAAGTCGGAGCATGCTTCTCAAATATCTTCTCTGGTTTTACAGTA-3'
Protein context (NP_004320.2, residues 134-154): LQPTLPPVVI[Gly144Arg]PFFDGSIRWL

ClinVar aggregate classification (germline): Likely pathogenic. Review status: criteria provided, multiple submitters, no conflicts (2 of 4 stars). 2 submissions from 2 submitters: Likely pathogenic (2). Last evaluated 2024-09-04.

Conditions:
Juvenile polyposis syndrome (JPS). Identifiers: Orphanet 2929, MedGen C0345893, MONDO:0017380, OMIM 174900.
Hereditary cancer-predisposing syndrome. Also called: Hereditary Cancer Syndrome; Neoplastic Syndromes, Hereditary; Tumor predisposition; Hereditary neoplastic syndrome. Identifiers: Orphanet 140162, MedGen C0027672, MeSH D009386, MONDO:0015356.

Submissions (2):

Ambry Genetics
Classification: Likely pathogenic for Hereditary cancer-predisposing syndrome. Last evaluated: 2024-09-04. Review status: criteria provided, single submitter. Criteria: Ambry Variant Classification Scheme 2023. Collection method: clinical testing. Allele origin: germline.
Comment: The c.430G>C variant (also known as p.G144R), located in coding exon 4 of the BMPR1A gene, results from a G to C substitution at nucleotide position 430. The amino acid change results in glycine to arginine at codon 144, an amino acid with dissimilar properties. However, this change occurs in the last base pair of coding exon 4, which makes it likely to have some effect on normal mRNA splicing. This variant was reported in multiple individuals from one family with features consistent with juvenile polyposis syndrome (external laboratory communication). This nucleotide position is highly conserved in available vertebrate species. In silico splice site analysis predicts that this alteration will weaken the native splice donor site. RNA studies have demonstrated that this alteration results in abnormal splicing in the set of samples tested (Ambry internal data; external laboratory communication). This variant is considered to be rare based on population cohorts in the Genome Aggregation Database (gnomAD). Based on the majority of available evidence to date, this variant is likely to be pathogenic.

Labcorp Genetics (formerly Invitae), Labcorp
Classification: Likely pathogenic for Juvenile polyposis syndrome. Last evaluated: 2022-09-19. Review status: criteria provided, single submitter. Criteria: Invitae Variant Classification Sherloc (09022015). Collection method: clinical testing. Allele origin: germline.
Comment: In summary, the currently available evidence indicates that the variant is pathogenic, but additional data are needed to prove that conclusively. Therefore, this variant has been classified as Likely Pathogenic. This sequence change replaces glycine, which is neutral and non-polar, with arginine, which is basic and polar, at codon 144 of the BMPR1A protein (p.Gly144Arg). RNA analysis indicates that this missense change induces altered splicing and may result in an absent or disrupted protein product. This variant is not present in population databases (gnomAD no frequency). This missense change has been observed in individual(s) with juvenile polyposis syndrome (Invitae). It has also been observed to segregate with disease in related individuals. ClinVar contains an entry for this variant (Variation ID: 230449). Algorithms developed to predict the effect of missense changes on protein structure and function (SIFT, PolyPhen-2, Align-GVGD) all suggest that this variant is likely to be tolerated. Variants that disrupt the consensus splice site are a relatively common cause of aberrant splicing (PMID: 17576681, 9536098). Studies have shown that this missense change results in skipping of exon 6 and introduces a premature termination codon (Invitae). The resulting mRNA is expected to undergo nonsense-mediated decay.

Literature cited by the submitters: PubMed 17576681 (cited by Labcorp Genetics (formerly Invitae), Labcorp); PubMed 9536098 (cited by Labcorp Genetics (formerly Invitae), Labcorp).